The following is an entry in ClinVar:

NM_015909.4(NBAS):c.5577C>A (p.Asp1859Glu)

Gene: NBAS (NBAS subunit of NRZ tethering complex; minus strand). Cytogenetic location: 2p24.3.
Variant type: single nucleotide variant.
Coding change: c.5577C>A on transcript NM_015909.4 (MANE Select); coding-DNA position 5577, C replaced by A.
Protein change: p.Asp1859Glu; replaces aspartic acid 1859 with glutamic acid.
Molecular consequence: missense variant. On other transcripts: non-coding transcript variant (1).
Genome position (GRCh38, 1-based): chr2:15,275,631, G>T on the plus strand (C>A on the coding strand, the complement: NBAS is on the minus strand). VCF-style: chr2-15275631-G-T. GRCh37 (hg19) VCF-style: chr2-15415755-G-T.
Other names: short protein forms D1859E.
Identifiers: ClinVar variation 1926087 (VCV001926087.2), dbSNP rs541903371, ClinGen allele CA1535265.

ClinVar aggregate classification (germline): Uncertain significance (1 of 4 stars; one submission).

Allele frequency attached by ClinVar (database versions not stated): 1000 Genomes Project 30x 0.00031; 1000 Genomes Project 0.00040.
gnomAD v4.1: 16 of 1,614,044 alleles (0.00099%); highest among the groups gnomAD compares: East Asian, 0.016%; no homozygotes.

Submission:

Labcorp Genetics (formerly Invitae), Labcorp
Classification: Uncertain significance. Last evaluated: 2022-08-08. Review status: criteria provided, single submitter. Criteria: Invitae Variant Classification Sherloc (09022015). Collection method: clinical testing. Allele origin: germline.
Comment: This sequence change replaces aspartic acid, which is acidic and polar, with glutamic acid, which is acidic and polar, at codon 1859 of the NBAS protein (p.Asp1859Glu). This variant is present in population databases (rs541903371, gnomAD 0.02%). This variant has not been reported in the literature in individuals affected with NBAS-related conditions. Algorithms developed to predict the effect of missense changes on protein structure and function (SIFT, PolyPhen-2, Align-GVGD) all suggest that this variant is likely to be disruptive. In summary, the available evidence is currently insufficient to determine the role of this variant in disease. Therefore, it has been classified as a Variant of Uncertain Significance.